The following is an entry in ClinVar:

ClinVar aggregate classification (germline): Likely pathogenic (1 of 4 stars; one submission).

Conditions:
Cardiac anomalies - developmental delay - facial dysmorphism syndrome (MRFACD). Also called: Impaired intellectual development and distinctive facial features with or without cardiac defects; MED13L Syndrome. Identifiers: Orphanet 369891, MedGen C5192431, MONDO:0014773, OMIM 616789.

Submission:

3billion
Classification: Likely pathogenic for Cardiac anomalies - developmental delay - facial dysmorphism syndrome. Last evaluated: 2025-06-11. Review status: criteria provided, single submitter. Criteria: ACMG Guidelines, 2015. Collection method: clinical testing. Allele origin: germline. Affected: yes.
Comment: The variant is not observed in the gnomAD v4.1.0 dataset. Predicted Consequence/Location: Frameshift: predicted to result in a loss or disruption of normal protein function through nonsense-mediated decay (NMD) or protein truncation. Multiple pathogenic variants are reported downstream of the variant. Therefore, this variant is classified as Likely pathogenic according to the recommendation of ACMG/AMP guideline.

NM_015335.5(MED13L):c.5514del (p.Trp1838fs)

Gene: MED13L (mediator complex subunit 13L; minus strand). Cytogenetic location: 12q24.21.
Variant type: Deletion.
Coding change: c.5514del on transcript NM_015335.5 (MANE Select); coding-DNA position 5514, one base deleted (G; older notation c.5514delG).
Protein change: p.Trp1838fs; shifts the reading frame from tryptophan 1838.
Molecular consequence: frameshift variant.
Genome position (GRCh38, 1-based): chr12:115,975,589, C deleted on the plus strand (G on the coding strand, the reverse complement: MED13L is on the minus strand); the first of 2 consecutive C bases (chr12:115,975,589-115,975,590); deleting either gives the same sequence. VCF-style (leftmost placement, unchanged base first): chr12-115975588-GC-G. GRCh37 (hg19) VCF-style: chr12-116413393-GC-G.
Other names: short protein forms W1838fs.
Identifiers: ClinVar variation 4855361 (VCV004855361.1).